The following is an entry in ClinVar:

ClinVar aggregate classification (germline): Benign/Likely benign. Review status: criteria provided, multiple submitters, no conflicts (2 of 4 stars). 7 submissions from 7 submitters: Benign (3); Likely benign (3). 1 of the submissions does not count toward it. Last evaluated 2025-12-05.

Conditions:
IQSEC2-related disorder. Also called: IQSEC2-related condition.
Inborn genetic diseases. Identifiers: MedGen C0950123, MeSH D030342.
Intellectual developmental disorder, X-linked 1. Also called: Intellectual disability, X-linked 1; MENTAL RETARDATION, X-LINKED 18; MENTAL RETARDATION, X-LINKED 78; Atkin Flaitz Patil Smith syndrome. Identifiers: Orphanet 777, MedGen C2931498, MONDO:0010656, OMIM 309530.

Allele frequency attached by ClinVar (database versions not stated): 1000 Genomes Project 30x 0.00021; gnomAD 0.00031 and 0.00028; gnomAD exomes 0.00055 and 0.00037; 1000 Genomes Project 0.00026; TOPMed 0.00021.
gnomAD v4.1: 592 of 1,154,368 alleles (0.051%); highest among the groups gnomAD compares: Non-Finnish European, 0.066%; no homozygotes.

Submissions (7):

Labcorp Genetics (formerly Invitae), Labcorp
Classification: Benign for Intellectual developmental disorder, X-linked 1. Last evaluated: 2025-12-05. Review status: criteria provided, single submitter. Criteria: Invitae Variant Classification Sherloc (09022015). Collection method: clinical testing. Allele origin: germline.

Mayo Clinic Laboratories, Mayo Clinic
Classification: Benign. Last evaluated: 2025-08-19. Review status: criteria provided, single submitter. Criteria: ACMG Guidelines, 2015. Collection method: clinical testing. Allele origin: germline. Observed: 1 variant allele.
Comment: BS1, BS2, BP4_moderate

CeGaT Center for Human Genetics Tuebingen
Classification: Likely benign. Last evaluated: 2023-02-01. Review status: criteria provided, single submitter. Criteria: CeGaT Center For Human Genetics Tuebingen Variant Classification Criteria Version 2. Collection method: clinical testing. Allele origin: germline. Affected: yes. Observed: 1 variant allele.
Comment: IQSEC2: PP2, BS2

GeneDx
Classification: Likely benign. Last evaluated: 2021-03-06. Review status: criteria provided, single submitter. Criteria: GeneDx Variant Classification Process June 2021. Collection method: clinical testing. Allele origin: germline. Affected: yes.

Ambry Genetics
Classification: Benign for Inborn genetic diseases. Last evaluated: 2019-01-16. Review status: criteria provided, single submitter. Criteria: Ambry Variant Classification Scheme 2023. Collection method: clinical testing. Allele origin: germline.

Genetic Services Laboratory, University of Chicago
Classification: Likely benign. Last evaluated: 2016-08-05. Review status: criteria provided, single submitter. Criteria: ACMG Guidelines, 2015. Collection method: clinical testing. Allele origin: germline. Affected: no.

PreventionGenetics, part of Exact Sciences
Classification: Likely benign for IQSEC2-related condition. Last evaluated: 2019-07-15. Review status: no assertion criteria provided. Collection method: clinical testing. Allele origin: germline. Not counted in ClinVar's aggregate classification.
Comment: This variant is classified as likely benign based on ACMG/AMP sequence variant interpretation guidelines (Richards et al. 2015 PMID: 25741868, with internal and published modifications).

NM_001111125.3(IQSEC2):c.578G>C (p.Gly193Ala)

Gene: IQSEC2 (IQ motif and Sec7 domain ArfGEF 2; minus strand). Cytogenetic location: Xp11.22.
Variant type: single nucleotide variant.
Coding change: c.578G>C on transcript NM_001111125.3 (MANE Select); coding-DNA position 578, G replaced by C.
Protein change: p.Gly193Ala; replaces glycine 193 with alanine.
Molecular consequence: missense variant.
Genome position (GRCh38, 1-based): chrX:53,320,546, C>G on the plus strand (G>C on the coding strand, the complement: IQSEC2 is on the minus strand). VCF-style: chrX-53320546-C-G. GRCh37 (hg19) VCF-style: chrX-53349744-C-G.
Other names: p.Gly193Ala; short protein forms G193A.
Identifiers: ClinVar variation 379876 (VCV000379876.46), dbSNP rs782357394, ClinGen allele CA16609193.
Genomic context (GRCh38, chrX:53,320,546, plus strand): 5'-GAGCTCCTGGATGCGCCACGGCTCAGCTGGCCCCGCTCCCGCGGTGGCCGCGGCCCCACG[C>G]CCACCGCCGCCGAATAGCCCGCTTCCTTCTCGCGGCCCGGGTGCGCCGGCCCGGCCTCCC-3'
Protein context (NP_001104595.1, residues 183-203): EKEAGYSAAV[Gly193Ala]VGPRPPRERG